The following is an entry in ClinVar:

NM_001261826.3(AP3D1):c.3493T>G (p.Cys1165Gly)

Gene: AP3D1 (adaptor related protein complex 3 subunit delta 1; minus strand). Cytogenetic location: 19p13.3.
Variant type: single nucleotide variant.
Coding change: c.3493T>G on transcript NM_001261826.3 (MANE Select); coding-DNA position 3493, T replaced by G.
Protein change: p.Cys1165Gly; replaces cysteine 1165 with glycine.
Molecular consequence: missense variant.
Genome position (GRCh38, 1-based): chr19:2,108,746, A>C on the plus strand (T>G on the coding strand, the complement: AP3D1 is on the minus strand). VCF-style: chr19-2108746-A-C. GRCh37 (hg19) VCF-style: chr19-2108745-A-C.
Other names: c.3457T>G, p.Cys1153Gly (NM_001374799.1); c.3307T>G, p.Cys1103Gly (NM_003938.8); c.3307T>G (NM_003938.5); short protein forms C1103G, C1165G, C1153G.
Identifiers: ClinVar variation 1507429 (VCV001507429.11), dbSNP rs2018180805, ClinGen allele CA403200745.

ClinVar aggregate classification (germline): Uncertain significance. Review status: criteria provided, multiple submitters, no conflicts (2 of 4 stars). 3 submissions from 3 submitters: Uncertain significance (3). Last evaluated 2022-09-22.

Conditions:
Hermansky-Pudlak syndrome 10 (HPS10). Identifiers: Orphanet 664511, MedGen C4310746, MONDO:0014885, OMIM 617050.
Inborn genetic diseases. Identifiers: MedGen C0950123, MeSH D030342.

Allele frequency attached by ClinVar (database versions not stated): gnomAD exomes 0.00001; TOPMed below 0.00001; gnomAD 0.00001.
gnomAD v4.1: 20 of 1,577,772 alleles (0.0013%); highest among the groups gnomAD compares: Non-Finnish European, 0.0016%; no homozygotes.

Submissions (3):

Ambry Genetics
Classification: Uncertain significance for Inborn genetic diseases. Last evaluated: 2022-09-22. Review status: criteria provided, single submitter. Criteria: Ambry Variant Classification Scheme 2023. Collection method: clinical testing. Allele origin: germline.

Revvity Omics, Revvity
Classification: Uncertain significance for Hermansky-Pudlak syndrome 10. Last evaluated: 2021-04-21. Review status: criteria provided, single submitter. Criteria: ACMG Guidelines, 2015. Collection method: clinical testing. Allele origin: germline.

Labcorp Genetics (formerly Invitae), Labcorp
Classification: Uncertain significance. Last evaluated: 2021-03-31. Review status: criteria provided, single submitter. Criteria: Invitae Variant Classification Sherloc (09022015). Collection method: clinical testing. Allele origin: germline.
Comment: In summary, the available evidence is currently insufficient to determine the role of this variant in disease. Therefore, it has been classified as a Variant of Uncertain Significance. Algorithms developed to predict the effect of missense changes on protein structure and function are either unavailable or do not agree on the potential impact of this missense change (SIFT: "Deleterious"; PolyPhen-2: "Benign"; Align-GVGD: "Class C0"). This variant has not been reported in the literature in individuals with AP3D1-related conditions. This variant is not present in population databases (ExAC no frequency). This sequence change replaces cysteine with glycine at codon 1165 of the AP3D1 protein (p.Cys1165Gly). The cysteine residue is moderately conserved and there is a large physicochemical difference between cysteine and glycine.